The following is an entry in ClinVar:

NM_000065.5(C6):c.1287T>G (p.His429Gln)

Gene: C6 (complement C6; minus strand). Cytogenetic location: 5p13.1.
Variant type: single nucleotide variant.
Coding change: c.1287T>G on transcript NM_000065.5 (MANE Select); coding-DNA position 1287, T replaced by G.
Protein change: p.His429Gln; replaces histidine 429 with glutamine.
Molecular consequence: missense variant.
Genome position (GRCh38, 1-based): chr5:41,172,229, A>C on the plus strand (T>G on the coding strand, the complement: C6 is on the minus strand). VCF-style: chr5-41172229-A-C. GRCh37 (hg19) VCF-style: chr5-41172331-A-C.
Other names: c.1287T>G, p.His429Gln (NM_001115131.4); short protein forms H429Q.
Identifiers: ClinVar variation 1473189 (VCV001473189.8), dbSNP rs1331358061, ClinGen allele CA359598772.
Genomic context (GRCh38, chr5:41,172,229, plus strand): 5'-AATGACAGCCAGGCTCAGGGCACACTGGATAAGCTGCTAAGAGAGAGTACTGTTACCTTC[A>C]TGTTTCTCTGACAGCTTGTTGGTGGTGCACCTATGTTCCACTTTTGTTTTCTTAGCAAAT-3'
Protein context (NP_000056.2, residues 419-439): RCTTNKLSEK[His429Gln]EGSFIQGAEK

ClinVar aggregate classification (germline): Uncertain significance (1 of 4 stars; one submission).

Allele frequency attached by ClinVar (database versions not stated): gnomAD exomes below 0.00001; gnomAD 0.00002; TOPMed 0.00002.
gnomAD v4.1: 6 of 1,613,626 alleles (0.00037%); highest among the groups gnomAD compares: African/African-American, 0.008%; no homozygotes.

Submission:

Labcorp Genetics (formerly Invitae), Labcorp
Classification: Uncertain significance. Last evaluated: 2022-08-23. Review status: criteria provided, single submitter. Criteria: Invitae Variant Classification Sherloc (09022015). Collection method: clinical testing. Allele origin: germline.
Comment: This sequence change replaces histidine, which is basic and polar, with glutamine, which is neutral and polar, at codon 429 of the C6 protein (p.His429Gln). This variant is present in population databases (no rsID available, gnomAD 0.007%). This variant has not been reported in the literature in individuals affected with C6-related conditions. ClinVar contains an entry for this variant (Variation ID: 1473189). Algorithms developed to predict the effect of missense changes on protein structure and function are either unavailable or do not agree on the potential impact of this missense change (SIFT: "Deleterious"; PolyPhen-2: "Possibly Damaging"; Align-GVGD: "Class C0"). In summary, the available evidence is currently insufficient to determine the role of this variant in disease. Therefore, it has been classified as a Variant of Uncertain Significance.